The following is an entry in ClinVar:

ClinVar aggregate classification (germline): Conflicting classifications of pathogenicity. Review status: criteria provided, conflicting classifications (1 of 4 stars). 2 submissions from 2 submitters: Uncertain significance (1); Likely benign (1). Last evaluated 2026-01-19.

Conditions:
Distal myopathy with posterior leg and anterior hand involvement. Also called: WILLIAMS DISTAL MYOPATHY. Identifiers: Orphanet 63273, MedGen C3279722, MONDO:0013550, OMIM 614065.
Hypertrophic cardiomyopathy 26. Also called: Cardiomyopathy, familial hypertrophic, 26. Identifiers: Orphanet 75249, MedGen C4310749, MONDO:0014883, OMIM 617047.
Myofibrillar myopathy 5. Also called: Filaminopathy (type); FILAMINOPATHY, AUTOSOMAL DOMINANT. Identifiers: Orphanet 171445, MedGen C1836050, MONDO:0012289, OMIM 609524.
Cardiovascular phenotype. Identifiers: MedGen CN230736.

Allele frequency attached by ClinVar (database versions not stated): ExAC 0.00001; gnomAD exomes 0.00001; gnomAD 0.00007; TOPMed 0.00009.

Submissions (2):

Labcorp Genetics (formerly Invitae), Labcorp
Classification: Likely benign for Distal myopathy with posterior leg and anterior hand involvement; Myofibrillar myopathy 5; Hypertrophic cardiomyopathy 26. Last evaluated: 2026-01-19. Review status: criteria provided, single submitter. Criteria: Invitae Variant Classification Sherloc (09022015). Collection method: clinical testing. Allele origin: germline.

Ambry Genetics
Classification: Uncertain significance for Cardiovascular phenotype. Last evaluated: 2025-12-19. Review status: criteria provided, single submitter. Criteria: Ambry Variant Classification Scheme 2023. Collection method: clinical testing. Allele origin: germline.
Comment: The p.R69W variant (also known as c.205C>T), located in coding exon 1 of the FLNC gene, results from a C to T substitution at nucleotide position 205. The arginine at codon 69 is replaced by tryptophan, an amino acid with dissimilar properties. This amino acid position is not well conserved in available vertebrate species. In addition, the in silico prediction for this alteration is inconclusive. Since supporting evidence is limited at this time, the clinical significance of this alteration remains unclear.

NM_001458.5(FLNC):c.205C>T (p.Arg69Trp)

Gene: FLNC (filamin C; plus strand). Cytogenetic location: 7q32.1.
Variant type: single nucleotide variant.
Coding change: c.205C>T on transcript NM_001458.5 (MANE Select); coding-DNA position 205, C replaced by T.
Protein change: p.Arg69Trp; replaces arginine 69 with tryptophan.
Molecular consequence: missense variant.
Genome position (GRCh38, 1-based): chr7:128,830,842, C>T. VCF-style: chr7-128830842-C-T. GRCh37 (hg19) VCF-style: chr7-128470896-C-T.
Other names: c.205C>T, p.Arg69Trp (NM_001127487.2); short protein forms R69W.
Identifiers: ClinVar variation 569610 (VCV000569610.14), dbSNP rs758342140, ClinGen allele CA4473976.